The following is an entry in ClinVar:

ClinVar aggregate classification (germline): Conflicting classifications of pathogenicity. Review status: criteria provided, conflicting classifications (1 of 4 stars). 2 submissions from 2 submitters: Uncertain significance (1); Likely benign (1). Last evaluated 2025-08-11.

Conditions:
Hereditary cancer-predisposing syndrome. Also called: Hereditary neoplastic syndrome; Tumor predisposition; Neoplastic Syndromes, Hereditary; Hereditary Cancer Syndrome. Identifiers: Orphanet 140162, MedGen C0027672, MeSH D009386, MONDO:0015356.
Breast-ovarian cancer, familial, susceptibility to, 4. Identifiers: Orphanet 145, MedGen C3280345, MONDO:0013669, OMIM 614291.

Submissions (2):

Labcorp Genetics (formerly Invitae), Labcorp
Classification: Uncertain significance for Breast-ovarian cancer, familial, susceptibility to, 4. Last evaluated: 2025-08-11. Review status: criteria provided, single submitter. Criteria: Invitae Variant Classification Sherloc (09022015). Collection method: clinical testing. Allele origin: germline.
Comment: This sequence change replaces glutamine, which is neutral and polar, with histidine, which is basic and polar, at codon 319 of the RAD51D protein (p.Gln319His). This variant is not present in population databases (gnomAD no frequency). This variant has not been reported in the literature in individuals affected with RAD51D-related conditions. ClinVar contains an entry for this variant (Variation ID: 2866042). An algorithm developed to predict the effect of missense changes on protein structure and function (PolyPhen-2) suggests that this variant is likely to be tolerated. In summary, the available evidence is currently insufficient to determine the role of this variant in disease. Therefore, it has been classified as a Variant of Uncertain Significance.

Ambry Genetics
Classification: Likely benign for Hereditary cancer-predisposing syndrome. Last evaluated: 2024-10-29. Review status: criteria provided, single submitter. Criteria: Ambry Variant Classification Scheme 2023. Collection method: clinical testing. Allele origin: germline.

NM_002878.4(RAD51D):c.957G>C (p.Gln319His)

Genes: RAD51L3-RFFL (RAD51L3-RFFL readthrough; minus strand), RAD51D (RAD51 paralog D; minus strand). Cytogenetic location: 17q12.
Variant type: single nucleotide variant.
Coding change: c.957G>C on transcript NM_002878.4 (MANE Select); coding-DNA position 957, G replaced by C.
Protein change: p.Gln319His; replaces glutamine 319 with histidine.
Molecular consequence: missense variant. On other transcripts: non-coding transcript variant (2).
Genome position (GRCh38, 1-based): chr17:35,100,983, C>G on the plus strand (G>C on the coding strand, the complement: RAD51D is on the minus strand). VCF-style: chr17-35100983-C-G. GRCh37 (hg19) VCF-style: chr17-33428002-C-G.
Other names: c.1017G>C, p.Gln339His (NM_001142571.2); c.621G>C, p.Gln207His (NM_133629.3); short protein forms Q339H, Q207H, Q319H.
Identifiers: ClinVar variation 2866042 (VCV002866042.4), dbSNP rs147669627, ClinGen allele CA399086085.